The following is an entry in ClinVar:

ClinVar aggregate classification (germline): Benign. Review status: criteria provided, single submitter (1 of 4 stars). 2 submissions from 2 submitters: Benign (1). 1 of the submissions does not count toward it. Last evaluated 2025-10-23.

Conditions:
PRSS56-related disorder. Also called: PRSS56-related condition.
Isolated microphthalmia 6. Also called: MICROPHTHALMIA, POSTERIOR NONSYNDROMIC. Identifiers: Orphanet 2542, MedGen C3150757, MONDO:0013293, OMIM 613517.

Allele frequency attached by ClinVar (database versions not stated): 1000 Genomes Project 30x 0.00156; TOPMed 0.00178; gnomAD exomes 0.00045; gnomAD 0.00170 and 0.00181; ExAC 0.00010; 1000 Genomes Project 0.00100.

Submissions (2):

Labcorp Genetics (formerly Invitae), Labcorp
Classification: Benign for Isolated microphthalmia 6. Last evaluated: 2025-10-23. Review status: criteria provided, single submitter. Criteria: Invitae Variant Classification Sherloc (09022015). Collection method: clinical testing. Allele origin: germline.

PreventionGenetics, part of Exact Sciences
Classification: Benign for PRSS56-related condition. Last evaluated: 2020-03-09. Review status: no assertion criteria provided. Collection method: clinical testing. Allele origin: germline. Not counted in ClinVar's aggregate classification.
Comment: This variant is classified as benign based on ACMG/AMP sequence variant interpretation guidelines (Richards et al. 2015 PMID: 25741868, with internal and published modifications).

NM_001195129.2(PRSS56):c.1693G>T (p.Ala565Ser)

Gene: PRSS56 (serine protease 56; plus strand). Cytogenetic location: 2q37.1.
Variant type: single nucleotide variant.
Coding change: c.1693G>T on transcript NM_001195129.2 (MANE Select); coding-DNA position 1693, G replaced by T.
Protein change: p.Ala565Ser; replaces alanine 565 with serine.
Molecular consequence: missense variant.
Genome position (GRCh38, 1-based): chr2:232,525,387, G>T. VCF-style: chr2-232525387-G-T. GRCh37 (hg19) VCF-style: chr2-233390097-G-T.
Other names: c.1693G>T (NM_001195129.1); c.1696G>T, p.Ala566Ser (NM_001369848.1); short protein forms A565S, A566S.
Identifiers: ClinVar variation 1600194 (VCV001600194.10), dbSNP rs143475239, ClinGen allele CA2167815.